The following is an entry in ClinVar:

NM_000497.4(CYP11B1):c.956C>T (p.Thr319Met)

Genes: CYP11B1 (cytochrome P450 family 11 subfamily B member 1; minus strand), LOC106799833 (CYP11B1 recombination region; plus strand). Cytogenetic location: 8q24.3.
Variant type: single nucleotide variant.
Coding change: c.956C>T on transcript NM_000497.4 (MANE Select); coding-DNA position 956, C replaced by T.
Protein change: p.Thr319Met; replaces threonine 319 with methionine.
Molecular consequence: missense variant.
Genome position (GRCh38, 1-based): chr8:142,875,877, G>A on the plus strand (C>T on the coding strand, the complement: CYP11B1 is on the minus strand). VCF-style: chr8-142875877-G-A. GRCh37 (hg19) VCF-style: chr8-143957293-G-A.
Other names: c.956C>T, p.Thr319Met (NM_001026213.1); short protein forms T319M.
Identifiers: ClinVar variation 1178 (VCV000001178.14), dbSNP rs104894068, ClinGen allele CA339881.

ClinVar aggregate classification (germline): Pathogenic/Likely pathogenic. Review status: criteria provided, multiple submitters, no conflicts (2 of 4 stars). 8 submissions from 8 submitters: Pathogenic (2); Likely pathogenic (5). 1 of the submissions does not count toward it. Last evaluated 2026-03-27.

Conditions:
CYP11B1-related disorder. Also called: CYP11B1-related condition.
Glucocorticoid-remediable aldosteronism. Also called: FH I; GLUCOCORTICOID-SUPPRESSIBLE HYPERALDOSTERONISM; ACTH-DEPENDENT HYPERALDOSTERONISM SYNDROME; ALDOSTERONISM, SENSITIVE TO DEXAMETHASONE; Hyperaldosteronism, familial, type I. Identifiers: Orphanet 403, MedGen C3838731, MONDO:0007080, OMIM 103900.
Deficiency of steroid 11-beta-monooxygenase (CYP11B1). Also called: ADRENAL HYPERPLASIA, CONGENITAL, DUE TO STEROID 11-BETA-HYDROXYLASE DEFICIENCY; 11-BETA-HYDROXYLASE DEFICIENCY; STEROID 11-BETA-HYDROXYLASE DEFICIENCY; Congenital adrenal hyperplasia due to 11-beta-hydroxylase deficiency; P450C11B1 DEFICIENCY; ADRENAL HYPERPLASIA IV. Identifiers: Orphanet 90795, MedGen C0268292, MONDO:0008729, OMIM 202010. Disease mechanism: loss of function.

Allele frequency attached by ClinVar (database versions not stated): TOPMed below 0.00001; ExAC 0.00001; gnomAD exomes below 0.00001; gnomAD 0.00004.
gnomAD v4.1: 24 of 1,613,980 alleles (0.0015%); highest among the groups gnomAD compares: Admixed American, 0.0067%; no homozygotes.

Submissions (8):

PreventionGenetics, part of Exact Sciences
Classification: Likely pathogenic for CYP11B1-related condition. Last evaluated: 2026-03-27. Review status: criteria provided, single submitter. Criteria: ACMG Guidelines, 2015. Collection method: clinical testing. Allele origin: germline.
Comment: The CYP11B1 c.956C>T variant is predicted to result in the amino acid substitution p.Thr319Met. This variant has been reported in the compound heterozygous state in an individual with steroid-11 beta-hydroxylase deficiency and was demonstrated to segregate with disease (Joehrer et al. 1997. PubMed ID: 9302260). In vitro analysis using COS-1 cells demonstrated expression of this variant results in decreased 11β-hydroxylase enzymatic activity to 37% of wild-type (Joehrer et al. 1997. PubMed ID: 9302260). This variant is reported in 0.0062% of alleles in individuals of African descent in gnomAD, and is classified as pathogenic/likely pathogenic in the ClinVar database (Variation ID: 1178). Taken together, this variant is interpreted as likely pathogenic.

Fulgent Genetics
Classification: Likely pathogenic for Glucocorticoid-remediable aldosteronism; Deficiency of steroid 11-beta-monooxygenase. Last evaluated: 2024-05-17. Review status: criteria provided, single submitter. Criteria: ACMG Guidelines, 2015. Collection method: clinical testing. Allele origin: germline.

Baylor Genetics
Classification: Likely pathogenic for Deficiency of steroid 11-beta-monooxygenase. Last evaluated: 2024-02-20. Review status: criteria provided, single submitter. Criteria: ACMG Guidelines, 2015. Collection method: clinical testing. Allele origin: unknown.

3billion
Classification: Likely pathogenic for Deficiency of steroid 11-beta-monooxygenase. Last evaluated: 2023-02-23. Review status: criteria provided, single submitter. Criteria: ACMG Guidelines, 2015. Collection method: clinical testing. Allele origin: unknown. Affected: yes.
Comment: The variant is observed at an extremely low frequency in the gnomAD v2.1.1 dataset (total allele frequency: <0.001%). In silico tool predictions suggest damaging effect of the variant on gene or gene product (REVEL: 0.77; 3Cnet: 0.77). Same nucleotide change resulting in same amino acid change has been previously reported to be associated with CYP11B1 related disorder (ClinVar ID: VCV000001178 / PMID: 9302260). The variant has been reported to be in trans with a pathogenic variant as either compound heterozygous or homozygous in at least one similarly affected unrelated individual (PMID: 9302260). Therefore, this variant is classified as Likely pathogenic according to the recommendation of ACMG/AMP guideline.

Mendelics
Classification: Pathogenic for Glucocorticoid-remediable aldosteronism. Last evaluated: 2022-05-04. Review status: criteria provided, single submitter. Criteria: Mendelics Assertion Criteria 2019. Collection method: clinical testing. Allele origin: germline.

Revvity Omics, Revvity
Classification: Pathogenic. Last evaluated: 2021-01-15. Review status: criteria provided, single submitter. Criteria: ACMG Guidelines, 2015. Collection method: clinical testing. Allele origin: germline.

Juno Genomics, Hangzhou Juno Genomics, Inc
Classification: Likely pathogenic for Deficiency of steroid 11-beta-monooxygenase. Review status: criteria provided, single submitter. Criteria: ACMG Guidelines, 2015. Collection method: clinical testing. Allele origin: germline.
Comment: Absent from controls (or at extremely low frequency if recessive) in Genome Aggregation Database.;For recessive disorders, detected in trans with a pathogenic variant.;Well-established in vitro or in vivo functional studies supportive of a damaging effect on the gene or gene product.

OMIM
Classification: Pathogenic for ADRENAL HYPERPLASIA, CONGENITAL, DUE TO STEROID 11-BETA-HYDROXYLASE DEFICIENCY. Last evaluated: 1997-10-01. Review status: no assertion criteria provided. Collection method: literature only. Allele origin: germline. Not counted in ClinVar's aggregate classification.

Literature cited by the submitters: PubMed 9302260 (cited by 3billion and OMIM).